The following is an entry in ClinVar:

NM_182919.4(TICAM1):c.712T>C (p.Leu238=)

Gene: TICAM1 (TIR domain containing adaptor molecule 1; minus strand). Cytogenetic location: 19p13.3.
Variant type: single nucleotide variant.
Coding change: c.712T>C on transcript NM_182919.4 (MANE Select); coding-DNA position 712, T replaced by C.
Protein change: p.Leu238=; no amino-acid change (leucine 238 retained).
Molecular consequence: synonymous variant.
Genome position (GRCh38, 1-based): chr19:4,817,666, A>G on the plus strand (T>C on the coding strand, the complement: TICAM1 is on the minus strand). VCF-style: chr19-4817666-A-G. GRCh37 (hg19) VCF-style: chr19-4817678-A-G.
Other names: c.670T>C, p.Leu224= (NM_001385678.1); c.577T>C, p.Leu193= (NM_001385679.1); c.70T>C, p.Leu24= (NM_001385680.1).
Identifiers: ClinVar variation 712935 (VCV000712935.36), dbSNP rs150390826, ClinGen allele CA9105296.

ClinVar aggregate classification (germline): Benign/Likely benign. Review status: criteria provided, multiple submitters, no conflicts (2 of 4 stars). 3 submissions from 3 submitters: Benign (1); Likely benign (2). Last evaluated 2025-12-28.

Conditions:
Encephalopathy, acute, infection-induced (herpes-specific), susceptibility to, 6. Also called: Herpes simplex encephalitis, susceptibility to, 4. Identifiers: Orphanet 1930, MedGen C3553869, MONDO:0013921, OMIM 614850.

Allele frequency attached by ClinVar (database versions not stated): 1000 Genomes Project 0.00100; gnomAD 0.00189 and 0.00203; ESP Exome Variant Server 0.00215; 1000 Genomes Project 30x 0.00094; TOPMed 0.00195.
gnomAD v4.1: 545 of 1,583,214 alleles (0.034%); highest among the groups gnomAD compares: African/African-American, 0.7%; 3 homozygotes.

Submissions (3):

Labcorp Genetics (formerly Invitae), Labcorp
Classification: Benign for Encephalopathy, acute, infection-induced (herpes-specific), susceptibility to, 6. Last evaluated: 2025-12-28. Review status: criteria provided, single submitter. Criteria: Invitae Variant Classification Sherloc (09022015). Collection method: clinical testing. Allele origin: germline.

Blueprint Genetics
Classification: Likely benign. Last evaluated: 2024-09-18. Review status: criteria provided, single submitter. Criteria: ACMG Guidelines, 2015. Collection method: clinical testing. Allele origin: germline.

CeGaT Center for Human Genetics Tuebingen
Classification: Likely benign. Last evaluated: 2022-06-01. Review status: criteria provided, single submitter. Criteria: CeGaT Center For Human Genetics Tuebingen Variant Classification Criteria Version 2. Collection method: clinical testing. Allele origin: germline. Affected: yes. Observed: 1 variant allele.
Comment: TICAM1: BP4, BP7